The following is an entry in ClinVar:

ClinVar aggregate classification (germline): Uncertain significance (1 of 4 stars; one submission).

Submission:

Labcorp Genetics (formerly Invitae), Labcorp
Classification: Uncertain significance. Last evaluated: 2023-11-17. Review status: criteria provided, single submitter. Criteria: Invitae Variant Classification Sherloc (09022015). Collection method: clinical testing. Allele origin: germline.
Comment: This sequence change affects codon 329 of the COX15 mRNA. It is a 'silent' change, meaning that it does not change the encoded amino acid sequence of the COX15 protein. This variant also falls at the last nucleotide of exon 7, which is part of the consensus splice site for this exon. This variant is not present in population databases (gnomAD no frequency). This variant has not been reported in the literature in individuals affected with COX15-related conditions. Variants that disrupt the consensus splice site are a relatively common cause of aberrant splicing (PMID: 17576681, 9536098). Algorithms developed to predict the effect of sequence changes on RNA splicing suggest that this variant may disrupt the consensus splice site. In summary, the available evidence is currently insufficient to determine the role of this variant in disease. Therefore, it has been classified as a Variant of Uncertain Significance.

Literature cited by the submitters: PubMed 17576681; PubMed 9536098.

NM_078470.6(COX15):c.987G>A (p.Leu329=)

Gene: COX15 (cytochrome c oxidase assembly factor COX15; minus strand). Cytogenetic location: 10q24.2.
Variant type: single nucleotide variant.
Coding change: c.987G>A on transcript NM_078470.6 (MANE Select); coding-DNA position 987, G replaced by A.
Protein change: p.Leu329=; no amino-acid change (leucine 329 retained).
Molecular consequence: synonymous variant. On other transcripts: intron variant (2).
Genome position (GRCh38, 1-based): chr10:99,718,346, C>T on the plus strand (G>A on the coding strand, the complement: COX15 is on the minus strand). VCF-style: chr10-99718346-C-T. GRCh37 (hg19) VCF-style: chr10-101478103-C-T.
Other names: c.987G>A, p.Leu329= (NM_001320974.2, NM_001372024.1, NM_001372025.1 and 2 more transcripts); c.450G>A, p.Leu150= (NM_001320976.2); c.960G>A, p.Leu320= (NM_001372026.1); c.833-1885G>A (NM_001372028.1, NM_001320975.2).
Identifiers: ClinVar variation 2771786 (VCV002771786.3), dbSNP rs2492678251, ClinGen allele CA471132125.